The following is an entry in ClinVar:

NM_020699.4(GATAD2B):c.971T>C (p.Ile324Thr)

Gene: GATAD2B (GATA zinc finger domain containing 2B; minus strand). Cytogenetic location: 1q21.3.
Variant type: single nucleotide variant.
Coding change: c.971T>C on transcript NM_020699.4 (MANE Select); coding-DNA position 971, T replaced by C.
Protein change: p.Ile324Thr; replaces isoleucine 324 with threonine.
Molecular consequence: missense variant.
Genome position (GRCh38, 1-based): chr1:153,816,518, A>G on the plus strand (T>C on the coding strand, the complement: GATAD2B is on the minus strand). VCF-style: chr1-153816518-A-G. GRCh37 (hg19) VCF-style: chr1-153788994-A-G.
Other names: short protein forms I324T.
Identifiers: ClinVar variation 1694525 (VCV001694525.31), dbSNP rs2101879936, ClinGen allele CA342528049.

ClinVar aggregate classification (germline): Uncertain significance (1 of 4 stars; one submission).

Submission:

CeGaT Center for Human Genetics Tuebingen
Classification: Uncertain significance. Last evaluated: 2022-06-01. Review status: criteria provided, single submitter. Criteria: CeGaT Center For Human Genetics Tuebingen Variant Classification Criteria Version 2. Collection method: clinical testing. Allele origin: germline. Affected: yes. Observed: 1 variant allele.
Comment: GATAD2B: PM2, PP2